The following is an entry in ClinVar:

NM_014991.6(WDFY3):c.7937G>A (p.Gly2646Glu)

Gene: WDFY3 (WD repeat and FYVE domain containing 3; minus strand). Cytogenetic location: 4q21.23.
Variant type: single nucleotide variant.
Coding change: c.7937G>A on transcript NM_014991.6 (MANE Select); coding-DNA position 7937, G replaced by A.
Protein change: p.Gly2646Glu; replaces glycine 2646 with glutamic acid.
Molecular consequence: missense variant.
Genome position (GRCh38, 1-based): chr4:84,715,322, C>T on the plus strand (G>A on the coding strand, the complement: WDFY3 is on the minus strand). VCF-style: chr4-84715322-C-T. GRCh37 (hg19) VCF-style: chr4-85636475-C-T.
Other names: short protein forms G2646E.
Identifiers: ClinVar variation 4976382 (VCV004976382.1).

ClinVar aggregate classification (germline): Uncertain significance (1 of 4 stars; one submission).

Submission:

GeneDx
Classification: Uncertain significance. Last evaluated: 2026-02-12. Review status: criteria provided, single submitter. Criteria: GeneDx Variant Classification Process June 2021. Collection method: clinical testing. Allele origin: germline.
Comment: Not observed at significant frequency in large population cohorts (gnomAD); In silico analysis suggests that this missense variant does not alter protein structure/function; Has not been previously published as pathogenic or benign to our knowledge.